The following is an entry in ClinVar:

NM_001134382.3(IQSEC1):c.2602G>A (p.Val868Ile)

Gene: IQSEC1 (IQ motif and Sec7 domain ArfGEF 1; minus strand). Cytogenetic location: 3p25.2.
Variant type: single nucleotide variant.
Coding change: c.2602G>A on transcript NM_001134382.3 (MANE Select); coding-DNA position 2602, G replaced by A.
Protein change: p.Val868Ile; replaces valine 868 with isoleucine.
Molecular consequence: missense variant.
Genome position (GRCh38, 1-based): chr3:12,908,502, C>T on the plus strand (G>A on the coding strand, the complement: IQSEC1 is on the minus strand). VCF-style: chr3-12908502-C-T. GRCh37 (hg19) VCF-style: chr3-12950002-C-T.
Other names: c.2278G>A, p.Val760Ile (NM_001330619.3); c.2926G>A, p.Val976Ile (NM_001376938.2); c.2644G>A, p.Val882Ile (NM_014869.8); short protein forms V882I, V976I, V760I, V868I.
Identifiers: ClinVar variation 712979 (VCV000712979.13), dbSNP rs17541405, ClinGen allele CA2261880.

ClinVar aggregate classification (germline): Likely benign. Review status: criteria provided, multiple submitters, no conflicts (2 of 4 stars). 4 submissions from 4 submitters: Likely benign (4). Last evaluated 2026-06-01.

Conditions:
Intellectual developmental disorder with short stature and behavioral abnormalities. Identifiers: MedGen C5231462, MONDO:0032870, OMIM 618687.

Allele frequency attached by ClinVar (database versions not stated): gnomAD exomes 0.00454 and 0.00255; ESP Exome Variant Server 0.00538; ExAC 0.00239; 1000 Genomes Project 30x 0.00250; 1000 Genomes Project 0.00280; gnomAD 0.00387 and 0.00396; TOPMed 0.00407.
gnomAD v4.1: 7,231 of 1,613,626 alleles (0.45%); highest among the groups gnomAD compares: Non-Finnish European, 0.53%; 19 homozygotes.

Submissions (4):

CeGaT Center for Human Genetics Tuebingen
Classification: Likely benign. Last evaluated: 2026-06-01. Review status: criteria provided, single submitter. Criteria: CeGaT Center For Human Genetics Tuebingen Variant Classification Criteria Version 2. Collection method: clinical testing. Allele origin: germline. Affected: yes. Observed: 2 variant alleles.
Comment: IQSEC1: BS2

Fulgent Genetics
Classification: Likely benign for Intellectual developmental disorder with short stature and behavioral abnormalities. Last evaluated: 2022-02-14. Review status: criteria provided, single submitter. Criteria: ACMG Guidelines, 2015. Collection method: clinical testing. Allele origin: unknown.

Labcorp Genetics (formerly Invitae), Labcorp
Classification: Likely benign. Last evaluated: 2019-12-31. Review status: criteria provided, single submitter. Criteria: Invitae Variant Classification Sherloc (09022015). Collection method: clinical testing. Allele origin: germline.

Breakthrough Genomics
Classification: Likely benign. Review status: criteria provided, single submitter. Criteria: ACMG Guidelines, 2015. Collection method: not provided. Allele origin: germline. Inheritance: Autosomal recessive inheritance. Affected: yes.